The following is an entry in ClinVar:

NM_000059.4(BRCA2):c.5386del (p.Asp1796fs)

Gene: BRCA2 (BRCA2 DNA repair associated; plus strand). Cytogenetic location: 13q13.1.
Variant type: Deletion.
Coding change: c.5386del on transcript NM_000059.4 (MANE Select); coding-DNA position 5386, one base deleted (G; older notation c.5386delG).
Protein change: p.Asp1796fs; shifts the reading frame from aspartic acid 1796.
Molecular consequence: frameshift variant.
Genome position (GRCh38, 1-based): chr13:32,339,741, G deleted. VCF-style (leftmost placement, unchanged base first): chr13-32339740-AG-A. GRCh37 (hg19) VCF-style: chr13-32913877-AG-A.
Other names: 5614delG; c.5386delG (NM_000059.3); short protein forms D1796fs.
Identifiers: ClinVar variation 156171 (VCV000156171.8), dbSNP rs587776467, ClinGen allele CA022191.

ClinVar aggregate classification (germline): Pathogenic. Review status: reviewed by expert panel (3 of 4 stars). 5 submissions from 5 submitters: Pathogenic (1). 4 of the submissions do not count toward it. Last evaluated 2016-09-08.

Conditions:
Hereditary cancer-predisposing syndrome. Also called: Tumor predisposition; Neoplastic Syndromes, Hereditary; Hereditary neoplastic syndrome; Hereditary Cancer Syndrome. Identifiers: Orphanet 140162, MedGen C0027672, MeSH D009386, MONDO:0015356.
Hereditary breast ovarian cancer syndrome. Also called: Hereditary breast and ovarian cancer; Hereditary breast and ovarian cancer syndrome (HBOC); Hereditary breast and ovarian cancer syndrome; BRCA1- and BRCA2-Associated Hereditary Breast and Ovarian Cancer; Breast and ovarian cancer; Hereditary breast and/or ovarian cancer syndrome. Identifiers: Orphanet 145, MedGen C0677776, MeSH D061325, MONDO:0003582. Disease mechanism: loss of function.
Breast-ovarian cancer, familial, susceptibility to, 2 (BROVCA2). Also called: BRCA2 Hereditary Breast and Ovarian Cancer. Identifiers: Orphanet 145, MedGen C2675520, MONDO:0012933, OMIM 612555. Disease mechanism: loss of function.

Submissions (5):

Evidence-based Network for the Interpretation of Germline Mutant Alleles (ENIGMA)
Classification: Pathogenic for Breast-ovarian cancer, familial, susceptibility to, 2. Last evaluated: 2016-09-08. Review status: reviewed by expert panel. Criteria: ENIGMA BRCA1/2 Classification Criteria (2015). Collection method: curation. Allele origin: germline.
Comment: Variant allele predicted to encode a truncated non-functional protein.

Labcorp Genetics (formerly Invitae), Labcorp
Classification: Pathogenic for Hereditary breast ovarian cancer syndrome. Last evaluated: 2026-01-17. Review status: criteria provided, single submitter. Criteria: Invitae Variant Classification Sherloc (09022015). Collection method: clinical testing. Allele origin: germline. Not counted in ClinVar's aggregate classification.
Comment: This sequence change creates a premature translational stop signal (p.Asp1796Metfs*9) in the BRCA2 gene. It is expected to result in an absent or disrupted protein product. Loss-of-function variants in BRCA2 are known to be pathogenic (PMID: 20104584). This variant is not present in population databases (gnomAD no frequency). This variant has not been reported in the literature in individuals affected with BRCA2-related conditions. ClinVar contains an entry for this variant (Variation ID: 156171). For these reasons, this variant has been classified as Pathogenic.

Ambry Genetics
Classification: Pathogenic for Hereditary cancer-predisposing syndrome. Last evaluated: 2024-11-19. Review status: criteria provided, single submitter. Criteria: Ambry Variant Classification Scheme 2023. Collection method: clinical testing. Allele origin: germline. Not counted in ClinVar's aggregate classification.
Comment: The c.5386delG pathogenic mutation, located in coding exon 10 of the BRCA2 gene, results from a deletion of one nucleotide at nucleotide position 5386, causing a translational frameshift with a predicted alternate stop codon (p.D1796Mfs*9). This variant is considered to be rare based on population cohorts in the Genome Aggregation Database (gnomAD). This alteration is expected to result in loss of function by premature protein truncation or nonsense-mediated mRNA decay. As such, this alteration is interpreted as a disease-causing mutation.

Revvity Omics, Revvity
Classification: Pathogenic. Last evaluated: 2019-06-03. Review status: criteria provided, single submitter. Criteria: ACMG Guidelines, 2015. Collection method: clinical testing. Allele origin: germline. Not counted in ClinVar's aggregate classification.

Sharing Clinical Reports Project (SCRP)
Classification: Pathogenic for Breast-ovarian cancer, familial 2. Last evaluated: 2010-04-21. Review status: no assertion criteria provided. Collection method: clinical testing. Allele origin: germline. Not counted in ClinVar's aggregate classification.

Literature cited by the submitters: PubMed 20104584 (cited by Labcorp Genetics (formerly Invitae), Labcorp).